The following is an entry in ClinVar:

ClinVar aggregate classification (germline): Likely benign. Review status: criteria provided, multiple submitters, no conflicts (2 of 4 stars). 3 submissions from 2 submitters: Likely benign (2). 1 of the submissions does not count toward it. Last evaluated 2026-01-08.

Conditions:
Isolated microphthalmia 6. Also called: MICROPHTHALMIA, POSTERIOR NONSYNDROMIC. Identifiers: Orphanet 2542, MedGen C3150757, MONDO:0013293, OMIM 613517.

Allele frequency attached by ClinVar (database versions not stated): ExAC 0.00009; gnomAD 0.00122 and 0.00130; TOPMed 0.00128; gnomAD exomes 0.00038; 1000 Genomes Project 0.00100; 1000 Genomes Project 30x 0.00109.

Submissions (3):

Labcorp Genetics (formerly Invitae), Labcorp
Classification: Likely benign for Isolated microphthalmia 6. Last evaluated: 2026-01-08. Review status: criteria provided, single submitter. Criteria: Invitae Variant Classification Sherloc (09022015). Collection method: clinical testing. Allele origin: germline.

Genomic Medicine Center of Excellence, King Faisal Specialist Hospital and Research Centre
Classification: Likely benign for Isolated microphthalmia 6. Last evaluated: 2024-03-25. Review status: criteria provided, single submitter. Criteria: ACMG Guidelines, 2015. Collection method: clinical testing. Allele origin: germline.

Genomic Medicine Center of Excellence, King Faisal Specialist Hospital and Research Centre
Classification: Likely pathogenic. Review status: flagged submission. Criteria: ACMG Guidelines, 2015. Collection method: research. Allele origin: germline. Affected: yes. Not counted in ClinVar's aggregate classification.
ClinVar note: Reason: This record appears to be redundant with a more recent record from the same submitter.
ClinVar note: Notes: SCV000221534 appears to be redundant with SCV004806014.

NM_001195129.2(PRSS56):c.1400G>T (p.Arg467Leu)

Gene: PRSS56 (serine protease 56; plus strand). Cytogenetic location: 2q37.1.
Variant type: single nucleotide variant.
Coding change: c.1400G>T on transcript NM_001195129.2 (MANE Select); coding-DNA position 1400, G replaced by T.
Protein change: p.Arg467Leu; replaces arginine 467 with leucine.
Molecular consequence: missense variant.
Genome position (GRCh38, 1-based): chr2:232,524,355, G>T. VCF-style: chr2-232524355-G-T. GRCh37 (hg19) VCF-style: chr2-233389065-G-T.
Other names: c.1403G>T, p.Arg468Leu (NM_001369848.1); short protein forms R467L, R468L.
Identifiers: ClinVar variation 191153 (VCV000191153.7), dbSNP rs554826646, ClinGen allele CA236128.